The following is an entry in ClinVar:

NM_022765.4(MICAL1):c.695T>C (p.Met232Thr)

Gene: MICAL1 (microtubule associated monooxygenase, calponin and LIM domain containing 1; minus strand). Cytogenetic location: 6q21.
Variant type: single nucleotide variant.
Coding change: c.695T>C on transcript NM_022765.4 (MANE Select); coding-DNA position 695, T replaced by C.
Protein change: p.Met232Thr; replaces methionine 232 with threonine.
Molecular consequence: missense variant.
Genome position (GRCh38, 1-based): chr6:109,452,383, A>G on the plus strand (T>C on the coding strand, the complement: MICAL1 is on the minus strand). VCF-style: chr6-109452383-A-G. GRCh37 (hg19) VCF-style: chr6-109773586-A-G.
Other names: c.695T>C, p.Met232Thr (NM_001159291.2); c.752T>C, p.Met251Thr (NM_001286613.2); short protein forms M251T, M232T.
Identifiers: ClinVar variation 1969341 (VCV001969341.5), dbSNP rs1282430896, ClinGen allele CA365232755.
Genomic context (GRCh38, chr6:109,452,383, plus strand): 5'-TCCTCCACGGTGCGTCCATTCACAAAGTTGGCTGTGATGCCAATGGCCAGTTTGCCTCGC[A>G]TTTCTCGAACTTTGAAGCCTAGAGGTGGCGGTAGGTGAACAATGGCAGGAGGAGGGGGTT-3'
Protein context (NP_073602.3, residues 222-242): FVPEGFKVRE[Met232Thr]RGKLAIGITA

ClinVar aggregate classification (germline): Uncertain significance (1 of 4 stars; one submission).

Allele frequency attached by ClinVar (database versions not stated): TOPMed below 0.00001; gnomAD 0.00001; gnomAD exomes 0.00001.
gnomAD v4.1: 11 of 1,613,978 alleles (0.00068%); highest among the groups gnomAD compares: Admixed American, 0.0017%; no homozygotes.

Submission:

Labcorp Genetics (formerly Invitae), Labcorp
Classification: Uncertain significance. Last evaluated: 2025-12-21. Review status: criteria provided, single submitter. Criteria: Invitae Variant Classification Sherloc (09022015). Collection method: clinical testing. Allele origin: germline.
Comment: This sequence change replaces methionine, which is neutral and non-polar, with threonine, which is neutral and polar, at codon 251 of the MICAL1 protein (p.Met251Thr). This variant is present in population databases (no rsID available, gnomAD 0.0009%). This variant has not been reported in the literature in individuals affected with MICAL1-related conditions. ClinVar contains an entry for this variant (Variation ID: 1969341). An algorithm developed to predict the effect of missense changes on protein structure and function (PolyPhen-2) suggests that this variant is likely to be tolerated. In summary, the available evidence is currently insufficient to determine the role of this variant in disease. Therefore, it has been classified as a Variant of Uncertain Significance.